The following is an entry in ClinVar:

ClinVar aggregate classification (germline): Uncertain significance (1 of 4 stars; one submission).

gnomAD v4.1: 3 of 1,613,604 alleles (0.00019%); highest among the groups gnomAD compares: Non-Finnish European, 0.00025%; no homozygotes.

Submission:

Labcorp Genetics (formerly Invitae), Labcorp
Classification: Uncertain significance. Last evaluated: 2024-11-27. Review status: criteria provided, single submitter. Criteria: Invitae Variant Classification Sherloc (09022015). Collection method: clinical testing. Allele origin: germline.
Comment: This sequence change replaces valine, which is neutral and non-polar, with methionine, which is neutral and non-polar, at codon 426 of the LYN protein (p.Val426Met). This variant is not present in population databases (gnomAD no frequency). This variant has not been reported in the literature in individuals affected with LYN-related conditions. An algorithm developed to predict the effect of missense changes on protein structure and function (PolyPhen-2) suggests that this variant is likely to be tolerated. In summary, the available evidence is currently insufficient to determine the role of this variant in disease. Therefore, it has been classified as a Variant of Uncertain Significance.

NM_002350.4(LYN):c.1276G>A (p.Val426Met)

Gene: LYN (LYN proto-oncogene, Src family tyrosine kinase; plus strand). Cytogenetic location: 8q12.1.
Variant type: single nucleotide variant.
Coding change: c.1276G>A on transcript NM_002350.4 (MANE Select); coding-DNA position 1276, G replaced by A.
Protein change: p.Val426Met; replaces valine 426 with methionine.
Molecular consequence: missense variant.
Genome position (GRCh38, 1-based): chr8:55,999,489, G>A. VCF-style: chr8-55999489-G-A. GRCh37 (hg19) VCF-style: chr8-56912048-G-A.
Other names: c.1213G>A, p.Val405Met (NM_001111097.3); short protein forms V405M, V426M.
Identifiers: ClinVar variation 3726182 (VCV003726182.2).